The following is an entry in ClinVar:

NM_001142966.3(GREB1L):c.2365G>A (p.Val789Ile)

Gene: GREB1L (GREB1 like retinoic acid receptor coactivator; plus strand). Cytogenetic location: 18q11.1.
Variant type: single nucleotide variant.
Coding change: c.2365G>A on transcript NM_001142966.3 (MANE Select); coding-DNA position 2365, G replaced by A.
Protein change: p.Val789Ile; replaces valine 789 with isoleucine.
Molecular consequence: missense variant.
Genome position (GRCh38, 1-based): chr18:21,477,165, G>A. VCF-style: chr18-21477165-G-A. GRCh37 (hg19) VCF-style: chr18-19057126-G-A.
Other names: c.2494G>A, p.Val832Ile (NM_001410867.1); c.2038G>A, p.Val680Ile (NM_001410868.1); short protein forms V832I, V680I, V789I.
Identifiers: ClinVar variation 3662935 (VCV003662935.2).
Genomic context (GRCh38, chr18:21,477,165, plus strand): 5'-CTGATTCTATATCTACTTGGTTAAATGAGGTATTAATATGACTTTCAATTTTTCTACAGT[G>A]TCATTTCAGGCTCTTTGTCACATAGCGAACCCAGTCATGGGCTAGCTGATAGAGTCATTA-3'
Protein context (NP_001136438.1, residues 779-799): HDNSHVELTS[Val789Ile]ISGSLSHSEP

ClinVar aggregate classification (germline): Uncertain significance (1 of 4 stars; one submission).

Submission:

Labcorp Genetics (formerly Invitae), Labcorp
Classification: Uncertain significance. Last evaluated: 2024-11-21. Review status: criteria provided, single submitter. Criteria: Invitae Variant Classification Sherloc (09022015). Collection method: clinical testing. Allele origin: germline.
Comment: This sequence change replaces valine, which is neutral and non-polar, with isoleucine, which is neutral and non-polar, at codon 789 of the GREB1L protein (p.Val789Ile). This variant is not present in population databases (gnomAD no frequency). This variant has not been reported in the literature in individuals affected with GREB1L-related conditions. This missense change has been observed in at least one individual who was not affected with GREB1L-related conditions (internal data). An algorithm developed to predict the effect of missense changes on protein structure and function (PolyPhen-2) suggests that this variant is likely to be tolerated. In summary, the available evidence is currently insufficient to determine the role of this variant in disease. Therefore, it has been classified as a Variant of Uncertain Significance.